The following is an entry in ClinVar:

NM_005220.3(DLX3):c.*987C>T

Gene: DLX3 (distal-less homeobox 3; minus strand). Cytogenetic location: 17q21.33.
Variant type: single nucleotide variant.
Coding change: c.*987C>T on transcript NM_005220.3 (MANE Select); 987 bases downstream of the stop codon, C replaced by T.
Molecular consequence: 3 prime UTR variant.
Genome position (GRCh38, 1-based): chr17:49,990,530, G>A on the plus strand (C>T on the coding strand, the complement: DLX3 is on the minus strand). VCF-style: chr17-49990530-G-A. GRCh37 (hg19) VCF-style: chr17-48067894-G-A.
Identifiers: ClinVar variation 324012 (VCV000324012.5), dbSNP rs575910460, ClinGen allele CA10649626.
Genomic context (GRCh38, chr17:49,990,530, plus strand): 5'-AGGCACAAGTTCTAACTCTCCCCTCCTCTCCCATACACCTCACCCGACATTCTCCAGCTC[G>A]GAGCAATCTGTTTCCAAGGCCACCGGAAAGGAGGTGTTTGGGGGTTTGTCTTGCCTGGTA-3'

ClinVar aggregate classification (germline): Benign (1 of 4 stars; one submission).

Conditions:
Hypomaturation-hypoplastic amelogenesis imperfecta with taurodontism. Also called: Amelogenesis imperfecta, type IV. Identifiers: Orphanet 100034, Orphanet 88661, MedGen C1863012, MONDO:0007093, OMIM 104510. Disease mechanism: loss of function.

Allele frequency attached by ClinVar (database versions not stated): TOPMed below 0.00001; gnomAD 0.00001; 1000 Genomes Project 30x 0.00031; 1000 Genomes Project 0.00040.

Submission:

Illumina Laboratory Services, Illumina
Classification: Benign for Hypomaturation-hypoplastic amelogenesis imperfecta with taurodontism. Last evaluated: 2018-01-13. Review status: criteria provided, single submitter. Criteria: ICSL Variant Classification Criteria 13 December 2019. Collection method: clinical testing. Allele origin: germline.
Comment: This variant was observed in the ICSL laboratory as part of a predisposition screen in an ostensibly healthy population. It had not been previously curated by ICSL or reported in the Human Gene Mutation Database (HGMD: prior to June 1st, 2018), and was therefore a candidate for classification through an automated scoring system. Utilizing variant allele frequency, disease prevalence and penetrance estimates, and inheritance mode, an automated score was calculated to assess if this variant is too frequent to cause the disease. Based on the score and internal cut-off values, a variant classified as benign is not then subjected to further curation. The score for this variant resulted in a classification of benign for this disease.